The following is an entry in ClinVar:

NM_001003787.4(STRADA):c.1270C>G (p.Leu424Val)

Gene: STRADA (STE20 related adaptor alpha; minus strand). Cytogenetic location: 17q23.3.
Variant type: single nucleotide variant.
Coding change: c.1270C>G on transcript NM_001003787.4 (MANE Select); coding-DNA position 1270, C replaced by G.
Protein change: p.Leu424Val; replaces leucine 424 with valine.
Molecular consequence: missense variant. On other transcripts: 3 prime UTR variant (7), non-coding transcript variant (1).
Genome position (GRCh38, 1-based): chr17:63,703,625, G>C on the plus strand (C>G on the coding strand, the complement: STRADA is on the minus strand). VCF-style: chr17-63703625-G-C. GRCh37 (hg19) VCF-style: chr17-61780985-G-C.
Other names: c.1159C>G, p.Leu387Val (NM_001003786.3); c.1096C>G, p.Leu366Val (NM_001003788.3); c.*147C>G (NM_001165969.2, NM_001165970.2, NM_001363788.1 and 2 more transcripts); c.1246C>G, p.Leu416Val (NM_001363786.1); c.1183C>G, p.Leu395Val (NM_001363787.1); c.*59C>G (NM_001363790.1); c.*658C>G (NM_153335.6); short protein forms L366V, L387V, L424V, L395V, L416V.
Identifiers: ClinVar variation 1375910 (VCV001375910.6), dbSNP rs1197848632, ClinGen allele CA400585265.
Genomic context (GRCh38, chr17:63,703,625, plus strand): 5'-CCCTGGCTGGAGAATGCGCACAGTTTGCAGAGGCTCAGAACTCCCAATCGTCCACCTCCA[G>C]CTCTTCCAGGTTTGTTACCAGGCCAAAGATTCCACTGTGGTCCTGAGACTGGCTGCCCTC-3'
Protein context (NP_001003787.1, residues 414-431): IFGLVTNLEE[Leu424Val]EVDDWEF

ClinVar aggregate classification (germline): Uncertain significance (1 of 4 stars; one submission).

Conditions:
Polyhydramnios, megalencephaly, and symptomatic epilepsy (PMSE). Also called: PMSE SYNDROME. Identifiers: Orphanet 500533, MedGen C1970203, MONDO:0012611, OMIM 611087.

Allele frequency attached by ClinVar (database versions not stated): gnomAD 0.00003; TOPMed 0.00003.
gnomAD v4.1: 5 of 1,614,072 alleles (0.00031%); highest among the groups gnomAD compares: African/African-American, 0.004%; no homozygotes.

Submission:

Labcorp Genetics (formerly Invitae), Labcorp
Classification: Uncertain significance for Polyhydramnios, megalencephaly, and symptomatic epilepsy. Last evaluated: 2022-10-17. Review status: criteria provided, single submitter. Criteria: Invitae Variant Classification Sherloc (09022015). Collection method: clinical testing. Allele origin: germline.
Comment: In summary, the available evidence is currently insufficient to determine the role of this variant in disease. Therefore, it has been classified as a Variant of Uncertain Significance. Algorithms developed to predict the effect of missense changes on protein structure and function are either unavailable or do not agree on the potential impact of this missense change (SIFT: "Tolerated"; PolyPhen-2: "Probably Damaging"; Align-GVGD: "Class C0"). ClinVar contains an entry for this variant (Variation ID: 1375910). This variant has not been reported in the literature in individuals affected with STRADA-related conditions. This variant is not present in population databases (gnomAD no frequency). This sequence change replaces leucine, which is neutral and non-polar, with valine, which is neutral and non-polar, at codon 424 of the STRADA protein (p.Leu424Val).